The following is an entry in ClinVar:

ClinVar aggregate classification (germline): Conflicting classifications of pathogenicity. Review status: criteria provided, conflicting classifications (1 of 4 stars). 9 submissions from 9 submitters: Uncertain significance (1); Likely benign (5). 3 of the submissions do not count toward it. Last evaluated 2026-02-02.

Conditions:
FLNB-Related Spectrum Disorders.
FLNB-related disorder. Also called: FLNB-related disorders; FLNB-related condition. Identifiers: MedGen CN381095.

Allele frequency attached by ClinVar (database versions not stated): 1000 Genomes Project 30x 0.00016; 1000 Genomes Project 0.00020; ESP Exome Variant Server 0.00038; gnomAD exomes 0.00055 and 0.00062; gnomAD 0.00061 and 0.00066; TOPMed 0.00063; ExAC 0.00070.

Submissions (9):

Labcorp Genetics (formerly Invitae), Labcorp
Classification: Likely benign. Last evaluated: 2026-02-02. Review status: criteria provided, single submitter. Criteria: Invitae Variant Classification Sherloc (09022015). Collection method: clinical testing. Allele origin: germline.

CeGaT Center for Human Genetics Tuebingen
Classification: Likely benign. Last evaluated: 2025-09-01. Review status: criteria provided, single submitter. Criteria: CeGaT Center For Human Genetics Tuebingen Variant Classification Criteria Version 2. Collection method: clinical testing. Allele origin: germline. Affected: yes. Observed: 4 variant alleles.
Comment: FLNB: PP3, BS2

Blueprint Genetics
Classification: Likely benign. Last evaluated: 2024-11-13. Review status: criteria provided, single submitter. Criteria: ACMG Guidelines, 2015. Collection method: clinical testing. Allele origin: germline.

ARUP Laboratories, Molecular Genetics and Genomics, ARUP Laboratories
Classification: Likely benign. Last evaluated: 2023-10-23. Review status: criteria provided, single submitter. Criteria: ARUP Molecular Germline Variant Investigation Process 2024. Collection method: clinical testing. Allele origin: germline.

GeneDx
Classification: Likely benign. Last evaluated: 2021-04-26. Review status: criteria provided, single submitter. Criteria: GeneDx Variant Classification Process June 2021. Collection method: clinical testing. Allele origin: germline. Affected: yes.

Illumina Laboratory Services, Illumina
Classification: Uncertain significance for FLNB-Related Spectrum Disorders. Last evaluated: 2018-01-13. Review status: criteria provided, single submitter. Criteria: ICSL Variant Classification Criteria 13 December 2019. Collection method: clinical testing. Allele origin: germline.

PreventionGenetics, part of Exact Sciences
Classification: Likely benign for FLNB-related condition. Last evaluated: 2024-08-30. Review status: no assertion criteria provided. Collection method: clinical testing. Allele origin: germline. Not counted in ClinVar's aggregate classification.
Comment: This variant is classified as likely benign based on ACMG/AMP sequence variant interpretation guidelines (Richards et al. 2015 PMID: 25741868, with internal and published modifications).

Clinical Genetics DNA and cytogenetics Diagnostics Lab, Erasmus MC, Erasmus Medical Center
Classification: Uncertain significance. Review status: no assertion criteria provided. Collection method: clinical testing. Allele origin: germline. Affected: yes. Study: VKGL Data-share Consensus. Not counted in ClinVar's aggregate classification.

Diagnostic Laboratory, Department of Genetics, University Medical Center Groningen
Classification: Uncertain significance. Review status: no assertion criteria provided. Collection method: clinical testing. Allele origin: germline. Affected: yes. Study: VKGL Data-share Consensus. Not counted in ClinVar's aggregate classification.

NM_001457.4(FLNB):c.4233C>G (p.Phe1411Leu)

Gene: FLNB (filamin B; plus strand). Cytogenetic location: 3p14.3.
Variant type: single nucleotide variant.
Coding change: c.4233C>G on transcript NM_001457.4 (MANE Select); coding-DNA position 4233, C replaced by G.
Protein change: p.Phe1411Leu; replaces phenylalanine 1411 with leucine.
Molecular consequence: missense variant.
Genome position (GRCh38, 1-based): chr3:58,130,751, C>G. VCF-style: chr3-58130751-C-G. GRCh37 (hg19) VCF-style: chr3-58116478-C-G.
Other names: c.4233C>G, p.Phe1411Leu (NM_001164317.2, NM_001164318.2, NM_001164319.2); short protein forms F1411L.
Identifiers: ClinVar variation 377888 (VCV000377888.39), dbSNP rs143831841, ClinGen allele CA2468706.